The following is an entry in ClinVar:

ClinVar aggregate classification (germline): Uncertain significance (1 of 4 stars; one submission).

Submission:

Ambry Genetics
Classification: Uncertain significance. Last evaluated: 2023-03-08. Review status: criteria provided, single submitter. Criteria: Ambry Variant Classification Scheme 2023. Collection method: clinical testing. Allele origin: germline.
Comment: The p.R303G variant (also known as c.907A>G), located in coding exon 1 of the PALLD gene, results from an A to G substitution at nucleotide position 907. The arginine at codon 303 is replaced by glycine, an amino acid with dissimilar properties. This amino acid position is conserved. In addition, this alteration is predicted to be deleterious by in silico analysis. Since supporting evidence is limited at this time, the clinical significance of this alteration remains unclear.

NM_001166108.2(PALLD):c.907A>G (p.Arg303Gly)

Gene: PALLD (palladin, cytoskeletal associated protein; plus strand). Cytogenetic location: 4q32.3.
Variant type: single nucleotide variant.
Coding change: c.907A>G on transcript NM_001166108.2 (MANE Select); coding-DNA position 907, A replaced by G.
Protein change: p.Arg303Gly; replaces arginine 303 with glycine.
Molecular consequence: missense variant.
Genome position (GRCh38, 1-based): chr4:168,512,411, A>G. VCF-style: chr4-168512411-A-G. GRCh37 (hg19) VCF-style: chr4-169433562-A-G.
Other names: c.907A>G, p.Arg303Gly (NM_016081.4); short protein forms R303G.
Identifiers: ClinVar variation 2448514 (VCV002448514.2), dbSNP rs2531437949, ClinGen allele CA358728621.